The following is an entry in ClinVar:

ClinVar aggregate classification (germline): Benign/Likely benign. Review status: criteria provided, multiple submitters, no conflicts (2 of 4 stars). 2 submissions from 2 submitters: Benign (1); Likely benign (1). Last evaluated 2024-07-11.

Conditions:
BAP1-related tumor predisposition syndrome (TPDS1). Also called: BAP1 tumor predisposition syndrome; Tumor susceptibility linked to germline BAP1 mutations; TUMOR PREDISPOSITION SYNDROME 1; COMMON Syndrome. Identifiers: Orphanet 289539, MedGen C3280492, MONDO:0013692, OMIM 614327.
Hereditary cancer-predisposing syndrome. Also called: Neoplastic Syndromes, Hereditary; Tumor predisposition; Hereditary neoplastic syndrome; Hereditary Cancer Syndrome. Identifiers: Orphanet 140162, MedGen C0027672, MeSH D009386, MONDO:0015356.

Submissions (2):

Myriad Genetics, Inc.
Classification: Benign for BAP1-related tumor predisposition syndrome. Last evaluated: 2024-07-11. Review status: criteria provided, single submitter. Criteria: Myriad Autosomal Dominant, Autosomal Recessive and X-Linked Classification Criteria (2023). Collection method: clinical testing. Allele origin: unknown.
Comment: This variant is considered benign. This variant is a silent/synonymous amino acid change and it is not expected to impact splicing.

Ambry Genetics
Classification: Likely benign for Hereditary cancer-predisposing syndrome. Last evaluated: 2023-01-15. Review status: criteria provided, single submitter. Criteria: Ambry Variant Classification Scheme 2023. Collection method: clinical testing. Allele origin: germline.

NM_004656.4(BAP1):c.192C>G (p.Thr64=)

Gene: BAP1 (BRCA1 associated deubiquitinase 1; minus strand). Cytogenetic location: 3p21.1.
Variant type: single nucleotide variant.
Coding change: c.192C>G on transcript NM_004656.4 (MANE Select); coding-DNA position 192, C replaced by G.
Protein change: p.Thr64=; no amino-acid change (threonine 64 retained).
Molecular consequence: synonymous variant.
Genome position (GRCh38, 1-based): chr3:52,408,537, G>C on the plus strand (C>G on the coding strand, the complement: BAP1 is on the minus strand). VCF-style: chr3-52408537-G-C. GRCh37 (hg19) VCF-style: chr3-52442553-G-C.
Other names: c.192C>G, p.Thr64= (NM_001410772.1).
Identifiers: ClinVar variation 2450436 (VCV002450436.3), dbSNP rs1041117929, ClinGen allele CA433778179.
Genomic context (GRCh38, chr3:52,408,537, plus strand): 5'-GTGGGCAAAGAACATGTTATTCACAATATCATCATCAATCACGGACGTATCATCCACCAA[G>C]GTAGAGACCTTTCGCCGGGACCGGCGCTCTTCGATCCATTTGAACAGGAAGATAAATCCA-3'
Protein context (NP_004647.1, residues 54-74): EERRSRRKVS[Thr64=]LVDDTSVIDD